The following is an entry in ClinVar:

NM_000069.3(CACNA1S):c.5544C>A (p.Cys1848Ter)

Gene: CACNA1S (calcium voltage-gated channel subunit alpha1 S; minus strand). Cytogenetic location: 1q32.1.
Variant type: single nucleotide variant.
Coding change: c.5544C>A on transcript NM_000069.3 (MANE Select); coding-DNA position 5544, C replaced by A.
Protein change: p.Cys1848Ter; replaces cysteine 1848 with a stop codon.
Molecular consequence: nonsense.
Genome position (GRCh38, 1-based): chr1:201,039,909, G>T on the plus strand (C>A on the coding strand, the complement: CACNA1S is on the minus strand). VCF-style: chr1-201039909-G-T. GRCh37 (hg19) VCF-style: chr1-201009037-G-T.
Other names: short protein forms C1848*.
Identifiers: ClinVar variation 3073562 (VCV003073562.1), dbSNP rs1660061995, ClinGen allele CA344128495.

ClinVar aggregate classification (germline): Uncertain significance (1 of 4 stars; one submission).

Conditions:
Malignant hyperthermia, susceptibility to, 5 (MHS5). Also called: CACNA1S-Related Malignant Hyperthermia Susceptibility. Identifiers: Orphanet 423, MedGen C1866077, MONDO:0011163, OMIM 601887.

Submission:

All of Us Research Program, National Institutes of Health
Classification: Uncertain significance for Malignant hyperthermia, susceptibility to, 5. Last evaluated: 2023-10-02. Review status: criteria provided, single submitter. Criteria: ACMG Guidelines, 2015. Collection method: clinical testing. Allele origin: germline. Inheritance: Autosomal dominant inheritance. Observed: 1 variant allele, 1 heterozygote.
Comment: This variant changes 1 nucleotide in exon 44/44 of the CACNA1S gene, creating a premature translation stop signal. The mutant transcript is expected to escape nonsense-mediated decay and be expressed as a truncated protein product. To our knowledge, this variant has not been reported in individuals affected with CACNA1S-related disorders in the literature. This variant has not been identified in the general population by the Genome Aggregation Database (gnomAD). The available evidence is insufficient to determine the role of this variant in disease conclusively. Therefore, this variant is classified as a Variant of Uncertain Significance.

This study involves interpretation of variants in research participants for the purpose of population health screening. Participant phenotype was not available at the time of variant classification. Additional details can be found in publication PMID: 35346344, PMCID: PMC8962531